The following is an entry in ClinVar:

NM_001905.4(CTPS1):c.1327C>A (p.Gln443Lys)

Genes: CTPS1 (CTP synthase 1; plus strand), LOC126805717 (MED14-independent group 3 enhancer GRCh37_chr1:41472557-41473756; plus strand). Cytogenetic location: 1p34.2.
Variant type: single nucleotide variant.
Coding change: c.1327C>A on transcript NM_001905.4 (MANE Select); coding-DNA position 1327, C replaced by A.
Protein change: p.Gln443Lys; replaces glutamine 443 with lysine.
Molecular consequence: missense variant. On other transcripts: non-coding transcript variant (1).
Genome position (GRCh38, 1-based): chr1:41,007,479, C>A. VCF-style: chr1-41007479-C-A. GRCh37 (hg19) VCF-style: chr1-41473151-C-A.
Other names: c.859C>A, p.Gln287Lys (NM_001301237.2); short protein forms Q287K, Q443K.
Identifiers: ClinVar variation 1393948 (VCV001393948.3), dbSNP rs777839795, ClinGen allele CA795515.
Genomic context (GRCh38, chr1:41,007,479, plus strand): 5'-AGTTGGTGTCTGTTTTCTGAACATCTCCAGGTCGTAGACATGCCAGAACACAACCCAGGG[C>A]AGATGGGCGGAACCATGAGGCTGGGCAAGAGGAGAACCCTGTTCCAGACCAAGAACTCAG-3'
Protein context (NP_001896.2, residues 433-453): VVDMPEHNPG[Gln443Lys]MGGTMRLGKR

ClinVar aggregate classification (germline): Uncertain significance (1 of 4 stars; one submission).

Conditions:
Combined immunodeficiency due to CTPS1 deficiency. Also called: Immunodeficiency 24; Severe combined immunodeficiency due to CTPS1 deficiency. Identifiers: Orphanet 420573, MedGen C4014617, MONDO:0014391, OMIM 615897.

Allele frequency attached by ClinVar (database versions not stated): ExAC 0.00001; gnomAD 0.00002.
gnomAD v4.1: 6 of 1,614,010 alleles (0.00037%); highest among the groups gnomAD compares: Non-Finnish European, 0.00051%; no homozygotes.

Submission:

Labcorp Genetics (formerly Invitae), Labcorp
Classification: Uncertain significance for Combined immunodeficiency due to CTPS1 deficiency. Last evaluated: 2021-10-27. Review status: criteria provided, single submitter. Criteria: Invitae Variant Classification Sherloc (09022015). Collection method: clinical testing. Allele origin: germline.
Comment: This sequence change replaces glutamine, a(n) neutral and polar amino acid, with lysine, a(n) basic and polar amino acid, at codon 443 of the CTPS1 protein (p.Gln443Lys). This variant is present in population databases (rs777839795, gnomAD 0.004%). This variant has not been reported in the literature in individuals affected with CTPS1-related conditions. Algorithms developed to predict the effect of missense changes on protein structure and function (SIFT, PolyPhen-2, Align-GVGD) all suggest that this variant is likely to be tolerated. In summary, the available evidence is currently insufficient to determine the role of this variant in disease. Therefore, it has been classified as a Variant of Uncertain Significance.